The following is an entry in ClinVar:

NM_015474.4(SAMHD1):c.1566dup (p.Lys523Ter)

Gene: SAMHD1 (SAM and HD domain containing deoxynucleoside triphosphate triphosphohydrolase 1; minus strand). Cytogenetic location: 20q11.23.
Variant type: Duplication.
Coding change: c.1566dup on transcript NM_015474.4 (MANE Select); coding-DNA position 1566, one base duplicated (T; older notation c.1566dupT).
Protein change: p.Lys523Ter; replaces lysine 523 with a stop codon.
Molecular consequence: nonsense. On other transcripts: intron variant (1).
Genome position (GRCh38, 1-based): chr20:36,898,482, A duplicated on the plus strand (T on the coding strand, the reverse complement: SAMHD1 is on the minus strand). VCF-style (leftmost placement, unchanged base first): chr20-36898481-T-TA. GRCh37 (hg19) VCF-style: chr20-35526884-T-TA.
Other names: c.1566dup, p.Lys523Ter (NM_001363733.2); c.1504-523dup (NM_001363729.2); short protein forms K523*.
Identifiers: ClinVar variation 2064318 (VCV002064318.4), dbSNP rs2515218976, ClinGen allele CA2580098134.

ClinVar aggregate classification (germline): Pathogenic (1 of 4 stars; one submission).

Conditions:
Aicardi-Goutieres syndrome 5. Identifiers: Orphanet 51, MedGen C2749659, MONDO:0013059, OMIM 612952.

Submission:

Labcorp Genetics (formerly Invitae), Labcorp
Classification: Pathogenic for Aicardi-Goutieres syndrome 5. Last evaluated: 2021-12-28. Review status: criteria provided, single submitter. Criteria: Invitae Variant Classification Sherloc (09022015). Collection method: clinical testing. Allele origin: germline.
Comment: For these reasons, this variant has been classified as Pathogenic. This premature translational stop signal has been observed in individual(s) with Aicardi-Goutieres syndrome (PMID: 24300241). This variant is not present in population databases (gnomAD no frequency). This sequence change creates a premature translational stop signal (p.Lys523*) in the SAMHD1 gene. It is expected to result in an absent or disrupted protein product. Loss-of-function variants in SAMHD1 are known to be pathogenic (PMID: 19525956, 22461318).

Literature cited by the submitters: PubMed 24300241; PubMed 19525956; PubMed 22461318.